The following is an entry in ClinVar:

ClinVar aggregate classification (germline): Uncertain significance. Review status: criteria provided, multiple submitters, no conflicts (2 of 4 stars). 5 submissions from 5 submitters: Uncertain significance (5). Last evaluated 2025-12-01.

Conditions:
Malignant hyperthermia, susceptibility to, 1 (MHS1). Also called: RYR1-Related Malignant Hyperthermia Susceptibility; Anesthesia related hyperthermia; Malignant hyperpyrexia; Fulminating hyperpyrexia; Pharmacogenic myopathy; Malignant hyperthermia suceptibility 1. Identifiers: Orphanet 423, MedGen C2930980, MONDO:0007783, OMIM 145600.
RYR1-related disorder. Also called: RYR1-related condition; RYR1-related disorders. Identifiers: MedGen CN239331.

Allele frequency attached by ClinVar (database versions not stated): gnomAD 0.00001; gnomAD exomes 0.00001.
gnomAD v4.1: 9 of 1,614,094 alleles (0.00056%); highest among the groups gnomAD compares: Non-Finnish European, 0.00076%; no homozygotes.

Submissions (5):

CeGaT Center for Human Genetics Tuebingen
Classification: Uncertain significance. Last evaluated: 2025-12-01. Review status: criteria provided, single submitter. Criteria: CeGaT Center For Human Genetics Tuebingen Variant Classification Criteria Version 2. Collection method: clinical testing. Allele origin: germline. Affected: yes. Observed: 1 variant allele.
Comment: RYR1: PM2

Color Diagnostics, LLC DBA Color Health
Classification: Uncertain significance for Malignant hyperthermia, susceptibility to, 1. Last evaluated: 2025-06-23. Review status: criteria provided, single submitter. Criteria: ACMG Guidelines, 2015. Collection method: clinical testing. Allele origin: germline.
Comment: This missense variant replaces isoleucine with valine at codon 1073 of the RYR1 protein. Computational prediction suggests that this variant may not impact protein structure and function. To our knowledge, functional studies have not been reported for this variant. This variant has not been reported in individuals affected with RYR1-related disorders in the literature. This variant has been identified in 3/251482 chromosomes in the general population by the Genome Aggregation Database (gnomAD). The available evidence is insufficient to determine the role of this variant in disease conclusively. Therefore, this variant is classified as a Variant of Uncertain Significance.

Labcorp Genetics (formerly Invitae), Labcorp
Classification: Uncertain significance for RYR1-related disorder. Last evaluated: 2025-04-30. Review status: criteria provided, single submitter. Criteria: Invitae Variant Classification Sherloc (09022015). Collection method: clinical testing. Allele origin: germline.
Comment: This sequence change replaces isoleucine, which is neutral and non-polar, with valine, which is neutral and non-polar, at codon 1073 of the RYR1 protein (p.Ile1073Val). This variant is present in population databases (rs781092447, gnomAD 0.006%). This variant has not been reported in the literature in individuals affected with RYR1-related conditions. ClinVar contains an entry for this variant (Variation ID: 840270). Invitae Evidence Modeling of protein sequence and biophysical properties (such as structural, functional, and spatial information, amino acid conservation, physicochemical variation, residue mobility, and thermodynamic stability) indicates that this missense variant is not expected to disrupt RYR1 protein function with a negative predictive value of 95%. In summary, the available evidence is currently insufficient to determine the role of this variant in disease. Therefore, it has been classified as a Variant of Uncertain Significance.

All of Us Research Program, National Institutes of Health
Classification: Uncertain significance for Malignant hyperthermia, susceptibility to, 1. Last evaluated: 2023-06-28. Review status: criteria provided, single submitter. Criteria: ACMG Guidelines, 2015. Collection method: clinical testing. Allele origin: germline. Inheritance: Autosomal dominant inheritance. Observed: 3 variant alleles, 3 heterozygotes.
Comment: This missense variant replaces isoleucine with valine at codon 1073 of the RYR1 protein. Computational prediction suggests that this variant may not impact protein structure and function (internally defined REVEL score threshold <= 0.5, PMID: 27666373). To our knowledge, functional studies have not been reported for this variant. This variant has not been reported in individuals affected with RYR1-related disorders in the literature. This variant has been identified in 3/251482 chromosomes in the general population by the Genome Aggregation Database (gnomAD). The available evidence is insufficient to determine the role of this variant in disease conclusively. Therefore, this variant is classified as a Variant of Uncertain Significance.

This study involves interpretation of variants in research participants for the purpose of population health screening. Participant phenotype was not available at the time of variant classification. Additional details can be found in publication PMID: 35346344, PMCID: PMC8962531

Mayo Clinic Laboratories, Mayo Clinic
Classification: Uncertain significance. Last evaluated: 2023-03-17. Review status: criteria provided, single submitter. Criteria: ACMG Guidelines, 2015. Collection method: clinical testing. Allele origin: germline. Observed: 1 variant allele.

NM_000540.3(RYR1):c.3217A>G (p.Ile1073Val)

Gene: RYR1 (ryanodine receptor 1; plus strand). Cytogenetic location: 19q13.2.
Variant type: single nucleotide variant.
Coding change: c.3217A>G on transcript NM_000540.3 (MANE Select); coding-DNA position 3217, A replaced by G.
Protein change: p.Ile1073Val; replaces isoleucine 1073 with valine.
Molecular consequence: missense variant.
Genome position (GRCh38, 1-based): chr19:38,467,648, A>G. VCF-style: chr19-38467648-A-G. GRCh37 (hg19) VCF-style: chr19-38958288-A-G.
Other names: p.Ile1073Val; c.3217A>G, p.Ile1073Val (NM_001042723.2); short protein forms I1073V.
Identifiers: ClinVar variation 840270 (VCV000840270.14), dbSNP rs781092447, ClinGen allele CA064547.